The following is an entry in ClinVar:

NM_003126.4(SPTA1):c.4520G>C (p.Arg1507Pro)

Gene: SPTA1 (spectrin alpha, erythrocytic 1; minus strand). Cytogenetic location: 1q23.1.
Variant type: single nucleotide variant.
Coding change: c.4520G>C on transcript NM_003126.4 (MANE Select); coding-DNA position 4520, G replaced by C.
Protein change: p.Arg1507Pro; replaces arginine 1507 with proline.
Molecular consequence: missense variant.
Genome position (GRCh38, 1-based): chr1:158,642,899, C>G on the plus strand (G>C on the coding strand, the complement: SPTA1 is on the minus strand). VCF-style: chr1-158642899-C-G. GRCh37 (hg19) VCF-style: chr1-158612689-C-G.
Other names: short protein forms R1507P.
Identifiers: ClinVar variation 2585544 (VCV002585544.1), dbSNP rs764436700, ClinGen allele CA343030897.

ClinVar aggregate classification (germline): Uncertain significance (1 of 4 stars; one submission).

Conditions:
Pyropoikilocytosis, hereditary. Also called: Pyropoikilocytosis. Identifiers: MedGen C0520739, MONDO:0009948, OMIM 266140, HP:0004839. Disease mechanism: loss of function.

gnomAD v4.1: 4 of 1,613,732 alleles (0.00025%); highest among the groups gnomAD compares: South Asian, 0.0033%; no homozygotes.

Submission:

Neuberg Centre For Genomic Medicine, NCGM
Classification: Uncertain significance for Pyropoikilocytosis, hereditary. Review status: criteria provided, single submitter. Criteria: ACMG Guidelines, 2015. Collection method: clinical testing. Allele origin: germline. Inheritance: Autosomal recessive inheritance. Affected: yes.
Comment: The c.4520G>C(p.Arg1507Pro) missense variant in SPTA1 gene has not been reported previously as a pathogenic variant nor as a benign variant, to our knowledge. This variant is reported with the allele frequency (0.0004%) in the gnomAD and novel in 1000 genome database. The amino acid Arg at position 1507 is changed to a Pro changing protein sequence and it might alter its composition and physico-chemical properties. The amino acid change p.Arg1507Pro in SPTA1 is predicted as conserved by PhyloP across 100 vertebrates. For these reasons, this variant has been classified as Variant of Uncertain Significance (VUS).